The following is an entry in ClinVar:

ClinVar aggregate classification (germline): Conflicting classifications of pathogenicity. Review status: criteria provided, conflicting classifications (1 of 4 stars). 3 submissions from 3 submitters: Uncertain significance (2); Benign (1). Last evaluated 2025-04-22.

Conditions:
Cardiovascular phenotype. Identifiers: MedGen CN230736.
Arrhythmogenic right ventricular dysplasia 5. Also called: Arrhythmogenic Right Ventricular Dysplasia/Cardiomyopathy 5; ARRHYTHMOGENIC RIGHT VENTRICULAR DYSPLASIA, FAMILIAL, 5. Identifiers: MedGen C1858379, MONDO:0011459, OMIM 604400.
Cardiomyopathy (CMYO). Also called: Cardiomyopathies. Identifiers: Orphanet 167848, MedGen C0878544, MONDO:0004994, HP:0001638. Inheritance: Various modes of inheritance.

Allele frequency attached by ClinVar (database versions not stated): gnomAD 0.00001; gnomAD exomes 0.00001.
gnomAD v4.1: 6 of 1,613,730 alleles (0.00037%); highest among the groups gnomAD compares: South Asian, 0.0055%; no homozygotes.

Submissions (3):

Labcorp Genetics (formerly Invitae), Labcorp
Classification: Uncertain significance for Arrhythmogenic right ventricular dysplasia 5. Last evaluated: 2025-04-22. Review status: criteria provided, single submitter. Criteria: Invitae Variant Classification Sherloc (09022015). Collection method: clinical testing. Allele origin: germline.
Comment: This sequence change replaces threonine, which is neutral and polar, with alanine, which is neutral and non-polar, at codon 62 of the TMEM43 protein (p.Thr62Ala). This variant is present in population databases (no rsID available, gnomAD 0.01%). This variant has not been reported in the literature in individuals affected with TMEM43-related conditions. ClinVar contains an entry for this variant (Variation ID: 2774590). Invitae Evidence Modeling of protein sequence and biophysical properties (such as structural, functional, and spatial information, amino acid conservation, physicochemical variation, residue mobility, and thermodynamic stability) indicates that this missense variant is not expected to disrupt TMEM43 protein function with a negative predictive value of 80%. In summary, the available evidence is currently insufficient to determine the role of this variant in disease. Therefore, it has been classified as a Variant of Uncertain Significance.

Color Diagnostics, LLC DBA Color Health
Classification: Uncertain significance for Cardiomyopathy. Last evaluated: 2024-03-07. Review status: criteria provided, single submitter. Criteria: ACMG Guidelines, 2015. Collection method: clinical testing. Allele origin: germline.
Comment: This missense variant replaces threonine with alanine at codon 62 of the TMEM43 protein. Computational prediction suggests that this variant may not impact protein structure and function (internally defined REVEL score threshold <= 0.5, PMID: 27666373). To our knowledge, functional studies have not been reported for this variant. This variant has not been reported in individuals affected with cardiovascular disorders in the literature. This variant has been identified in 3/251090 chromosomes in the general population by the Genome Aggregation Database (gnomAD). The available evidence is insufficient to determine the role of this variant in disease conclusively. Therefore, this variant is classified as a Variant of Uncertain Significance.

Ambry Genetics
Classification: Benign for Cardiovascular phenotype. Last evaluated: 2024-01-24. Review status: criteria provided, single submitter. Criteria: Ambry Variant Classification Scheme 2023. Collection method: clinical testing. Allele origin: germline.

NM_024334.3(TMEM43):c.184A>G (p.Thr62Ala)

Gene: TMEM43 (transmembrane protein 43; plus strand). Cytogenetic location: 3p25.1.
Variant type: single nucleotide variant.
Coding change: c.184A>G on transcript NM_024334.3 (MANE Select); coding-DNA position 184, A replaced by G.
Protein change: p.Thr62Ala; replaces threonine 62 with alanine.
Molecular consequence: missense variant.
Genome position (GRCh38, 1-based): chr3:14,130,843, A>G. VCF-style: chr3-14130843-A-G. GRCh37 (hg19) VCF-style: chr3-14172343-A-G.
Other names: c.184A>G, p.Thr62Ala (NM_001407274.1, NM_001407275.1, NM_001407276.1 and 2 more transcripts); c.169A>G, p.Thr57Ala (NM_001407278.1); c.34A>G, p.Thr12Ala (NM_001407280.1); short protein forms T12A, T57A, T62A.
Identifiers: ClinVar variation 2774590 (VCV002774590.4), dbSNP rs1320848788, ClinGen allele CA351534523.